The following is an entry in ClinVar:

NM_001267550.2(TTN):c.31927G>T (p.Val10643Leu)

Gene: TTN (titin; minus strand). Cytogenetic location: 2q31.2.
Variant type: single nucleotide variant.
Coding change: c.31927G>T on transcript NM_001267550.2 (MANE Select); coding-DNA position 31927, G replaced by T.
Protein change: p.Val10643Leu; replaces valine 10643 with leucine.
Molecular consequence: missense variant. On other transcripts: intron variant (3).
Genome position (GRCh38, 1-based): chr2:178,689,515, C>A on the plus strand (G>T on the coding strand, the complement: TTN is on the minus strand). VCF-style: chr2-178689515-C-A. GRCh37 (hg19) VCF-style: chr2-179554242-C-A.
Other names: c.30976G>T, p.Val10326Leu (NM_001256850.1); c.28195G>T, p.Val9399Leu (NM_133378.4); c.13283-47198G>T (NM_003319.4); c.13859-47198G>T (NM_133437.4); c.13658-47198G>T (NM_133432.3); short protein forms V10326L, V10643L, V9399L.
Identifiers: ClinVar variation 4788357 (VCV004788357.1).
Genomic context (GRCh38, chr2:178,689,515, plus strand): 5'-ATGCAATTAAAGAGGCTTGAAGGAAAGACAAGGTTATTTCATGGAGATGGGATTAAGTAC[C>A]TGCTGGTGGTGGAGATTCCTCTCTTTGAGTTACAATGGTTATTTTTTCTTCTGTCACAAC-3'
Protein context (NP_001254479.2, residues 10633-10653): TQREESPPPA[Val10643Leu]PEIPKKKVPE

ClinVar aggregate classification (germline): Uncertain significance (1 of 4 stars; one submission).

Conditions:
Autosomal recessive limb-girdle muscular dystrophy type 2J (LGMDR10). Also called: Limb-girdle muscular dystrophy, type 2J; MUSCULAR DYSTROPHY, LIMB-GIRDLE, AUTOSOMAL RECESSIVE 10. Identifiers: Orphanet 140922, MedGen C1837342, MONDO:0012127, OMIM 608807.
Dilated cardiomyopathy 1G (CMD1G). Identifiers: Orphanet 154, MedGen C1858763, MONDO:0011400, OMIM 604145.

gnomAD v4.1: 1 of 1,608,810 alleles (0.000062%); highest among the groups gnomAD compares: Non-Finnish European, 0.000085%; no homozygotes.

Submission:

Labcorp Genetics (formerly Invitae), Labcorp
Classification: Uncertain significance for Dilated cardiomyopathy 1G; Autosomal recessive limb-girdle muscular dystrophy type 2J. Last evaluated: 2025-08-02. Review status: criteria provided, single submitter. Criteria: Invitae Variant Classification Sherloc (09022015). Collection method: clinical testing. Allele origin: germline.
Comment: This sequence change replaces valine, which is neutral and non-polar, with leucine, which is neutral and non-polar, at codon 10643 of the TTN protein (p.Val10643Leu). This variant also falls at the last nucleotide of exon 123, which is part of the consensus splice site for this exon. This variant is not present in population databases (gnomAD no frequency). This variant has not been reported in the literature in individuals affected with TTN-related conditions. Experimental studies and prediction algorithms are not available or were not evaluated, and the functional significance of this variant is currently unknown. Variants that disrupt the consensus splice site are a relatively common cause of aberrant splicing (PMID: 17576681, 9536098). Algorithms developed to predict the effect of sequence changes on RNA splicing suggest that this variant may disrupt the consensus splice site. This variant is located in the I band of TTN (PMID: 25589632). Non-truncating variants in this region may be clinically relevant, but have not been definitively shown to cause cardiomyopathy or neuromuscular disease (PMID: 27493940, 32778822). In summary, the available evidence is currently insufficient to determine the role of this variant in disease. Therefore, it has been classified as a Variant of Uncertain Significance.

Literature cited by the submitters: PubMed 17576681; PubMed 9536098; PubMed 25589632; PubMed 27493940; PubMed 32778822.